The following is an entry in ClinVar:

ClinVar aggregate classification (germline): Likely benign (1 of 4 stars; one submission).

gnomAD v4.1: 3 of 1,599,060 alleles (0.00019%); highest among the groups gnomAD compares: East Asian, 0.0067%; no homozygotes.

Submission:

GeneDx
Classification: Likely benign. Last evaluated: 2016-03-09. Review status: criteria provided, single submitter. Criteria: GeneDx Variant Classification (06012015). Collection method: clinical testing. Allele origin: germline. Affected: yes.
Comment: This variant is considered likely benign or benign based on one or more of the following criteria: it is a conservative change, it occurs at a poorly conserved position in the protein, it is predicted to be benign by multiple in silico algorithms, and/or has population frequency not consistent with disease.

NM_001083961.2(WDR62):c.4105C>A (p.Arg1369=)

Gene: WDR62 (WD repeat domain 62; plus strand). Cytogenetic location: 19q13.12.
Variant type: single nucleotide variant.
Coding change: c.4105C>A on transcript NM_001083961.2 (MANE Select); coding-DNA position 4105, C replaced by A.
Protein change: p.Arg1369=; no amino-acid change (arginine 1369 retained).
Molecular consequence: synonymous variant.
Genome position (GRCh38, 1-based): chr19:36,103,933, C>A. VCF-style: chr19-36103933-C-A. GRCh37 (hg19) VCF-style: chr19-36594835-C-A.
Other names: c.4090C>A, p.Arg1364= (NM_173636.5).
Identifiers: ClinVar variation 384394 (VCV000384394.1), dbSNP rs201531251, ClinGen allele CA16608123.